The following is an entry in ClinVar:

ClinVar aggregate classification (germline): Uncertain significance. Review status: criteria provided, multiple submitters, no conflicts (2 of 4 stars). 2 submissions from 2 submitters: Uncertain significance (2). Last evaluated 2024-09-03.

Conditions:
Neurodevelopmental disorder with microcephaly, hypotonia, and variable brain anomalies (NMIHBA). Identifiers: Orphanet 544469, MedGen C4479566, MONDO:0060490, OMIM 617481.

Allele frequency attached by ClinVar (database versions not stated): gnomAD 0.00001; gnomAD exomes 0.00001 and 0.00002; ExAC 0.00002.
gnomAD v4.1: 14 of 1,591,674 alleles (0.00088%); highest among the groups gnomAD compares: South Asian, 0.015%; no homozygotes.

Submissions (2):

GeneDx
Classification: Uncertain significance. Last evaluated: 2024-09-03. Review status: criteria provided, single submitter. Criteria: GeneDx Variant Classification Process June 2021. Collection method: clinical testing. Allele origin: germline. Affected: yes.
Comment: In silico analysis supports that this missense variant has a deleterious effect on protein structure/function; Has not been previously published as pathogenic or benign to our knowledge

Broad Center for Mendelian Genomics, Broad Institute of MIT and Harvard
Classification: Uncertain significance for Neurodevelopmental disorder with microcephaly, hypotonia, and variable brain anomalies. Last evaluated: 2018-12-03. Review status: criteria provided, single submitter. Criteria: ACMG Guidelines, 2015. Collection method: research. Allele origin: germline. Inheritance: Autosomal recessive inheritance. Affected: yes.
Comment: The homozygous p.Ala39Pro variant in PRUNE1 was identified by our study in two siblings with Neurodevelopmental Disorder with Microcephaly, Hypotonia, and Variable Brain Abnormalities (NMIHBA). The p.Ala39Pro variant in PRUNE1 has not been previously reported in individuals with NMIHBA but has been identified in 0.01625% (5/30772) of South Asian chromosomes by the Genome Aggregation Database (gnomAD; dbSNP rs756008936). Although this variant has been seen in the general population, its frequency is low enough to be consistent with a recessive carrier frequency. Computational prediction tools and conservation analyses suggest that this variant may impact the protein, though this information is not predictive enough to determine pathogenicity. In summary, the clinical significance of the p.Ala39Pro variant is uncertain. ACMG/AMP Criteria applied: PM2, PP3 (Richards 2015).

NM_021222.3(PRUNE1):c.115G>C (p.Ala39Pro)

Gene: PRUNE1 (prune exopolyphosphatase 1; plus strand). Cytogenetic location: 1q21.3.
Variant type: single nucleotide variant.
Coding change: c.115G>C on transcript NM_021222.3 (MANE Select); coding-DNA position 115, G replaced by C.
Protein change: p.Ala39Pro; replaces alanine 39 with proline.
Molecular consequence: missense variant. On other transcripts: 5 prime UTR variant (2), non-coding transcript variant (3).
Genome position (GRCh38, 1-based): chr1:151,017,887, G>C. VCF-style: chr1-151017887-G-C. GRCh37 (hg19) VCF-style: chr1-150990363-G-C.
Other names: c.-229G>C (NM_001303229.2); c.115G>C, p.Ala39Pro (NM_001303242.2); c.-145G>C (NM_001303243.2); c.115G>C (NM_021222.1); short protein forms A39P.
Identifiers: ClinVar variation 813906 (VCV000813906.2), dbSNP rs756008936, ClinGen allele CA1083680.